The following is an entry in ClinVar:

NM_002485.5(NBN):c.1577C>G (p.Thr526Arg)

Gene: NBN (nibrin; minus strand). Cytogenetic location: 8q21.3.
Variant type: single nucleotide variant.
Coding change: c.1577C>G on transcript NM_002485.5 (MANE Select); coding-DNA position 1577, C replaced by G.
Protein change: p.Thr526Arg; replaces threonine 526 with arginine.
Molecular consequence: missense variant.
Genome position (GRCh38, 1-based): chr8:89,953,512, G>C on the plus strand (C>G on the coding strand, the complement: NBN is on the minus strand). VCF-style: chr8-89953512-G-C. GRCh37 (hg19) VCF-style: chr8-90965740-G-C.
Other names: c.1331C>G, p.Thr444Arg (NM_001024688.3); short protein forms T444R, T526R.
Identifiers: ClinVar variation 2046902 (VCV002046902.5), dbSNP rs1186140215, ClinGen allele CA371655555.

ClinVar aggregate classification (germline): Uncertain significance. Review status: criteria provided, multiple submitters, no conflicts (2 of 4 stars). 2 submissions from 2 submitters: Uncertain significance (2). Last evaluated 2026-08-09.

Conditions:
Microcephaly, normal intelligence and immunodeficiency (NBS). Also called: Nijmegen breakage syndrome; Microcephaly with normal intelligence immunodeficiency and lymphoreticular malignancies; Nonsyndromal microcephaly autosomal recessive with normal intelligence; Seemanova syndrome 2; BERLIN BREAKAGE SYNDROME; Ataxia telangiectasia variant V1. Identifiers: Orphanet 647, MedGen C0398791, MONDO:0009623, OMIM 251260.
Hereditary cancer-predisposing syndrome. Also called: Hereditary neoplastic syndrome; Neoplastic Syndromes, Hereditary; Tumor predisposition; Hereditary Cancer Syndrome. Identifiers: Orphanet 140162, MedGen C0027672, MeSH D009386, MONDO:0015356.

Submissions (2):

Ambry Genetics
Classification: Uncertain significance for Hereditary cancer-predisposing syndrome. Last evaluated: 2026-08-09. Review status: criteria provided, single submitter. Criteria: Ambry Variant Classification Scheme 2023. Collection method: clinical testing. Allele origin: germline.
Comment: The p.T526R variant (also known as c.1577C>G), located in coding exon 11 of the NBN gene, results from a C to G substitution at nucleotide position 1577. The threonine at codon 526 is replaced by arginine, an amino acid with similar properties. This amino acid position is conserved. In addition, this alteration is predicted to be tolerated by in silico analysis. Based on the available evidence, the clinical significance of this variant remains unclear.

Labcorp Genetics (formerly Invitae), Labcorp
Classification: Uncertain significance for Microcephaly, normal intelligence and immunodeficiency. Last evaluated: 2021-12-18. Review status: criteria provided, single submitter. Criteria: Invitae Variant Classification Sherloc (09022015). Collection method: clinical testing. Allele origin: germline.
Comment: In summary, the available evidence is currently insufficient to determine the role of this variant in disease. Therefore, it has been classified as a Variant of Uncertain Significance. Algorithms developed to predict the effect of missense changes on protein structure and function output the following: SIFT: "Tolerated"; PolyPhen-2: "Benign"; Align-GVGD: "Class C0". The arginine amino acid residue is found in multiple mammalian species, which suggests that this missense change does not adversely affect protein function. This variant has not been reported in the literature in individuals affected with NBN-related conditions. This variant is not present in population databases (gnomAD no frequency). This sequence change replaces threonine, which is neutral and polar, with arginine, which is basic and polar, at codon 526 of the NBN protein (p.Thr526Arg).